The following is an entry in ClinVar:

NM_000717.5(CA4):c.169G>A (p.Val57Ile)

Gene: CA4 (carbonic anhydrase 4; plus strand). Cytogenetic location: 17q23.1.
Variant type: single nucleotide variant.
Coding change: c.169G>A on transcript NM_000717.5 (MANE Select); coding-DNA position 169, G replaced by A.
Protein change: p.Val57Ile; replaces valine 57 with isoleucine.
Molecular consequence: missense variant. On other transcripts: non-coding transcript variant (1).
Genome position (GRCh38, 1-based): chr17:60,156,616, G>A. VCF-style: chr17-60156616-G-A. GRCh37 (hg19) VCF-style: chr17-58233977-G-A.
Other names: c.169G>A (NM_000717.3); short protein forms V57I.
Identifiers: ClinVar variation 937125 (VCV000937125.9), dbSNP rs769214297, ClinGen allele CA8685255.

ClinVar aggregate classification (germline): Uncertain significance. Review status: criteria provided, multiple submitters, no conflicts (2 of 4 stars). 3 submissions from 3 submitters: Uncertain significance (3). Last evaluated 2025-11-22.

Allele frequency attached by ClinVar (database versions not stated): gnomAD 0.00009 and 0.00010; TOPMed 0.00010.

Submissions (3):

Labcorp Genetics (formerly Invitae), Labcorp
Classification: Uncertain significance. Last evaluated: 2025-11-22. Review status: criteria provided, single submitter. Criteria: Invitae Variant Classification Sherloc (09022015). Collection method: clinical testing. Allele origin: germline.
Comment: This sequence change replaces valine, which is neutral and non-polar, with isoleucine, which is neutral and non-polar, at codon 57 of the CA4 protein (p.Val57Ile). This variant is present in population databases (rs769214297, gnomAD 0.01%). This variant has not been reported in the literature in individuals affected with CA4-related conditions. ClinVar contains an entry for this variant (Variation ID: 937125). Invitae Evidence Modeling of protein sequence and biophysical properties (such as structural, functional, and spatial information, amino acid conservation, physicochemical variation, residue mobility, and thermodynamic stability) indicates that this missense variant is not expected to disrupt CA4 protein function with a negative predictive value of 80%. In summary, the available evidence is currently insufficient to determine the role of this variant in disease. Therefore, it has been classified as a Variant of Uncertain Significance.

Ambry Genetics
Classification: Uncertain significance. Last evaluated: 2024-12-12. Review status: criteria provided, single submitter. Criteria: Ambry Variant Classification Scheme 2023. Collection method: clinical testing. Allele origin: germline.

Blueprint Genetics
Classification: Uncertain significance. Last evaluated: 2023-10-04. Review status: criteria provided, single submitter. Criteria: ACMG Guidelines, 2015. Collection method: clinical testing. Allele origin: germline.